The following is an entry in ClinVar:

NM_006013.5(RPL10):c.94C>T (p.Arg32Cys)

Gene: RPL10 (ribosomal protein L10; plus strand). Cytogenetic location: Xq28.
Variant type: single nucleotide variant.
Coding change: c.94C>T on transcript NM_006013.5 (MANE Select); coding-DNA position 94, C replaced by T.
Protein change: p.Arg32Cys; replaces arginine 32 with cysteine.
Molecular consequence: missense variant. On other transcripts: intron variant (1).
Genome position (GRCh38, 1-based): chrX:154,399,498, C>T. VCF-style: chrX-154399498-C-T. GRCh37 (hg19) VCF-style: chrX-153627839-C-T.
Other names: c.94C>T, p.Arg32Cys (NM_001256577.2, NM_001303624.2, NM_001303625.1 and 1 more transcripts); c.82+102C>T (NM_001256580.2); short protein forms R32C.
Identifiers: ClinVar variation 4835816 (VCV004835816.1).

ClinVar aggregate classification (germline): Uncertain significance (1 of 4 stars; one submission).

Conditions:
Inborn genetic diseases. Identifiers: MedGen C0950123, MeSH D030342.

gnomAD v4.1: 1 of 1,211,875 alleles (0.000083%); highest among the groups gnomAD compares: African/African-American, 0.0017%; no homozygotes.

Submission:

Ambry Genetics
Classification: Uncertain significance for Inborn genetic diseases. Last evaluated: 2026-01-09. Review status: criteria provided, single submitter. Criteria: Ambry Variant Classification Scheme 2023. Collection method: clinical testing. Allele origin: germline.
Comment: The c.94C>T (p.R32C) alteration is located in exon 4 (coding exon 3) of the RPL10 gene. This alteration results from a C to T substitution at nucleotide position 94, causing the arginine (R) at amino acid position 32 to be replaced by a cysteine (C). Based on data from gnomAD, the T allele has an overall frequency of <0.001% (1/183519) total alleles studied. The highest observed frequency was 0.008% (1/13161) of African alleles. Other variant(s) at the same codon, c.95G>T (p.R32L), have been identified in individual(s) with features consistent with RPL10-related neurodevelopmental disorder (Cappuccio, 2022). This amino acid position is highly conserved in available vertebrate species. This missense alteration is located in a region that has a low rate of benign missense variation (Lek, 2016; Firth, 2009). Based on internal structural analysis, this variant is anticipated to disrupt a region of known function (Brooks, 2014; Zanni, 2015). This alteration is predicted to be deleterious by in silico analysis. Based on insufficient or conflicting evidence, the clinical significance of this alteration remains unclear.

Literature cited by the submitters: PubMed 25316788; PubMed 26290468; PubMed 35876338.